The following is an entry in ClinVar:

ClinVar aggregate classification (germline): Uncertain significance (1 of 4 stars; one submission).

gnomAD v4.1: 11 of 1,614,028 alleles (0.00068%); highest among the groups gnomAD compares: Non-Finnish European, 0.00093%; no homozygotes.

Submission:

Women's Health and Genetics/Laboratory Corporation of America, LabCorp
Classification: Uncertain significance. Last evaluated: 2024-12-02. Review status: criteria provided, single submitter. Criteria: LabCorp Variant Classification Summary - May 2015. Collection method: clinical testing. Allele origin: germline.
Comment: Variant summary: ACVR1 c.1393C>T (p.Pro465Ser) results in a non-conservative amino acid change located in the Protein kinase domain (IPR000719) of the encoded protein sequence. Three of five in-silico tools predict a benign effect of the variant on protein function. Consensus agreement among computation tools predict no significant impact on normal splicing. However, these predictions have yet to be confirmed by functional studies. The variant was absent in 251392 control chromosomes. The available data on variant occurrences in the general population are insufficient to allow any conclusion about variant significance. To our knowledge, no occurrence of c.1393C>T in individuals affected with Progressive Myositis Ossificans and no experimental evidence demonstrating its impact on protein function have been reported. No submitters have cited clinical-significance assessments for this variant to ClinVar. Based on the evidence outlined above, the variant was classified as uncertain significance.

NM_001111067.4(ACVR1):c.1393C>T (p.Pro465Ser)

Gene: ACVR1 (activin A receptor type 1; minus strand). Cytogenetic location: 2q24.1.
Variant type: single nucleotide variant.
Coding change: c.1393C>T on transcript NM_001111067.4 (MANE Select); coding-DNA position 1393, C replaced by T.
Protein change: p.Pro465Ser; replaces proline 465 with serine.
Molecular consequence: missense variant.
Genome position (GRCh38, 1-based): chr2:157,738,442, G>A on the plus strand (C>T on the coding strand, the complement: ACVR1 is on the minus strand). VCF-style: chr2-157738442-G-A. GRCh37 (hg19) VCF-style: chr2-158594954-G-A.
Other names: c.1393C>T, p.Pro465Ser (NM_001105.5, NM_001347663.1, NM_001347664.1 and 3 more transcripts); short protein forms P465S.
Identifiers: ClinVar variation 3768379 (VCV003768379.1).